The following is an entry in ClinVar:

NM_018406.7(MUC4):c.11943C>G (p.His3981Gln)

Gene: MUC4 (mucin 4, cell surface associated). Cytogenetic location: 3q29.
Variant type: single nucleotide variant.
Coding change: c.11943C>G on transcript NM_018406.7 (MANE Select); coding-DNA position 11943, C replaced by G.
Protein change: p.His3981Gln; replaces histidine 3981 with glutamine.
Molecular consequence: missense variant. On other transcripts: genic upstream transcript variant (2).
Genome position (GRCh38, 1-based): chr3:195,779,637, G>C on the plus strand (C>G on the coding strand, the complement: MUC4 is on the minus strand). VCF-style: chr3-195779637-G-C. GRCh37 (hg19) VCF-style: chr3-195506508-G-C.
Other names: c.17241C>G, p.His5747Gln (NM_001322468.1); c.83-5332C>G (NM_138297.5); c.83-1182C>G (NM_004532.6); short protein forms H3981Q, H5747Q.
Identifiers: ClinVar variation 3234249 (VCV003234249.20), dbSNP rs1347912853, ClinGen allele CA2769152.

ClinVar aggregate classification (germline): Likely benign (1 of 4 stars; one submission).

Submission:

CeGaT Center for Human Genetics Tuebingen
Classification: Likely benign. Last evaluated: 2024-04-01. Review status: criteria provided, single submitter. Criteria: CeGaT Center For Human Genetics Tuebingen Variant Classification Criteria Version 2. Collection method: clinical testing. Allele origin: germline. Affected: yes. Observed: 1 variant allele.
Comment: MUC4: BS2